The following is an entry in ClinVar:

ClinVar aggregate classification (germline): Benign. Review status: criteria provided, multiple submitters, no conflicts (2 of 4 stars). 6 submissions from 6 submitters: Benign (6). Last evaluated 2026-01-28.

Conditions:
Glycogen storage disease IXa1. Also called: GLYCOGEN STORAGE DISEASE VIII; GSD VIII; Glycogen storage disease 8; LIVER GLYCOGENOSIS, X-LINKED, TYPE I. Identifiers: Orphanet 264580, MedGen C3694531, MONDO:0010598, OMIM 306000.

Allele frequency attached by ClinVar (database versions not stated): gnomAD exomes 0.00178 and 0.00428; ExAC 0.00484; gnomAD 0.01305 and 0.01392; ESP Exome Variant Server 0.01467; 1000 Genomes Project 0.01510; TOPMed 0.01544; 1000 Genomes Project 30x 0.01602.

Submissions (6):

Labcorp Genetics (formerly Invitae), Labcorp
Classification: Benign for Glycogen storage disease IXa1. Last evaluated: 2026-01-28. Review status: criteria provided, single submitter. Criteria: Invitae Variant Classification Sherloc (09022015). Collection method: clinical testing. Allele origin: germline.

ARUP Laboratories, Molecular Genetics and Genomics, ARUP Laboratories
Classification: Benign. Last evaluated: 2023-11-29. Review status: criteria provided, single submitter. Criteria: ARUP Molecular Germline Variant Investigation Process 2024. Collection method: clinical testing. Allele origin: germline.

Mayo Clinic Laboratories, Mayo Clinic
Classification: Benign. Last evaluated: 2021-10-20. Review status: criteria provided, single submitter. Criteria: ACMG Guidelines, 2015. Collection method: clinical testing. Allele origin: germline. Observed: 9 variant alleles.
Comment: BA1, BP4

GeneDx
Classification: Benign. Last evaluated: 2016-06-09. Review status: criteria provided, single submitter. Criteria: GeneDx Variant Classification (06012015). Collection method: clinical testing. Allele origin: germline. Affected: yes.
Comment: This variant is considered likely benign or benign based on one or more of the following criteria: it is a conservative change, it occurs at a poorly conserved position in the protein, it is predicted to be benign by multiple in silico algorithms, and/or has population frequency not consistent with disease.

PreventionGenetics, part of Exact Sciences
Classification: Benign. Last evaluated: 2016-02-05. Review status: criteria provided, single submitter. Criteria: ACMG Guidelines, 2015. Collection method: clinical testing. Allele origin: germline.

Breakthrough Genomics
Classification: Benign. Review status: criteria provided, single submitter. Criteria: ACMG Guidelines, 2015. Collection method: not provided. Allele origin: germline. Inheritance: X-linked inheritance. Affected: yes.

NM_000292.3(PHKA2):c.849T>A (p.Ile283=)

Gene: PHKA2 (phosphorylase kinase regulatory subunit alpha 2; minus strand). Cytogenetic location: Xp22.13.
Variant type: single nucleotide variant.
Coding change: c.849T>A on transcript NM_000292.3 (MANE Select); coding-DNA position 849, T replaced by A.
Protein change: p.Ile283=; no amino-acid change (isoleucine 283 retained).
Molecular consequence: synonymous variant.
Genome position (GRCh38, 1-based): chrX:18,941,544, A>T on the plus strand (T>A on the coding strand, the complement: PHKA2 is on the minus strand). VCF-style: chrX-18941544-A-T. GRCh37 (hg19) VCF-style: chrX-18959662-A-T.
Other names: p.Ile283=.
Identifiers: ClinVar variation 255779 (VCV000255779.17), dbSNP rs61733284, ClinGen allele CA10362044.
Genomic context (GRCh38, chrX:18,941,544, plus strand): 5'-GCACATCACACAGGACAGAAGGGCACCAGCATGACTAATGCTTACCTGGAGCTTAGAAAT[A>T]ATTTCATTTTTGGTCACATTTACAAGGTTTACATCTTCCACTGCAAAGGCCGGGAAGGAA-3'
Protein context (NP_000283.1, residues 273-293): VNLVNVTKNE[Ile283=]ISKLQGRYGC